The following is an entry in ClinVar:

ClinVar aggregate classification (germline): Uncertain significance (1 of 4 stars; one submission).

gnomAD v4.1: 5 of 1,551,998 alleles (0.00032%); highest among the groups gnomAD compares: Non-Finnish European, 0.00043%; no homozygotes.

Submission:

GeneDx
Classification: Uncertain significance. Last evaluated: 2026-02-14. Review status: criteria provided, single submitter. Criteria: GeneDx Variant Classification Process June 2021. Collection method: clinical testing. Allele origin: germline.
Comment: Not observed at significant frequency in large population cohorts (gnomAD); In silico analysis suggests that this missense variant does not alter protein structure/function; Has not been previously published as pathogenic or benign to our knowledge

NM_020719.3(PRR12):c.2624A>G (p.Asp875Gly)

Gene: PRR12 (proline rich 12; plus strand). Cytogenetic location: 19q13.33.
Variant type: single nucleotide variant.
Coding change: c.2624A>G on transcript NM_020719.3 (MANE Select); coding-DNA position 2624, A replaced by G.
Protein change: p.Asp875Gly; replaces aspartic acid 875 with glycine.
Molecular consequence: missense variant.
Genome position (GRCh38, 1-based): chr19:49,596,959, A>G. VCF-style: chr19-49596959-A-G. GRCh37 (hg19) VCF-style: chr19-50100216-A-G.
Other names: short protein forms D875G.
Identifiers: ClinVar variation 5009309 (VCV005009309.1).